The following is an entry in ClinVar:

NM_080425.4(GNAS):c.1010T>C (p.Ile337Thr)

Gene: GNAS (GNAS complex locus; plus strand). Cytogenetic location: 20q13.32.
Variant type: single nucleotide variant.
Coding change: c.1010T>C on transcript NM_080425.4 (MANE Plus Clinical); coding-DNA position 1010, T replaced by C.
Protein change: p.Ile337Thr; replaces isoleucine 337 with threonine.
Molecular consequence: missense variant. On other transcripts: intron variant (3).
Genome position (GRCh38, 1-based): chr20:58,854,275, T>C. VCF-style: chr20-58854275-T-C. GRCh37 (hg19) VCF-style: chr20-57429330-T-C.
Other names: c.43+13389T>C (NM_001410912.1); c.-39+12400T>C (NM_001309861.2); c.823T>C, p.Ser275Pro (NM_001077490.3, NM_001309883.1); c.1010T>C, p.Ile337Thr (NM_001410913.1); c.*42+13389T>C (NM_016592.5); short protein forms S275P, I337T.
Identifiers: ClinVar variation 4978005 (VCV004978005.1).

ClinVar aggregate classification (germline): Uncertain significance (1 of 4 stars; one submission).

Conditions:
GNAS-related disorder. Identifiers: MedGen CN380105.

gnomAD v4.1: 44 of 1,611,876 alleles (0.0027%); highest among the groups gnomAD compares: Non-Finnish European, 0.003%; no homozygotes.

Submission:

PreventionGenetics, part of Exact Sciences
Classification: Uncertain significance for GNAS-related condition. Last evaluated: 2025-10-09. Review status: criteria provided, single submitter. Criteria: ACMG Guidelines, 2015. Collection method: clinical testing. Allele origin: germline.
Comment: The GNAS c.1010T>C variant is predicted to result in the amino acid substitution p.Ile337Thr. To our knowledge, this variant has not been reported in the literature. This variant is reported in 0.013% of alleles in individuals of European (Non-Finnish) descent in gnomAD. At this time, the clinical significance of this variant is uncertain due to the absence of conclusive functional and genetic evidence.